The following is an entry in ClinVar:

ClinVar aggregate classification (germline): Uncertain significance (1 of 4 stars; one submission).

gnomAD v4.1: 1 of 1,566,660 alleles (0.000064%); highest among the groups gnomAD compares: East Asian, 0.0023%; no homozygotes.

Submission:

GeneDx
Classification: Uncertain significance. Last evaluated: 2024-12-06. Review status: criteria provided, single submitter. Criteria: GeneDx Variant Classification Process June 2021. Collection method: clinical testing. Allele origin: germline. Affected: yes.
Comment: Not observed at significant frequency in large population cohorts (gnomAD); In silico analysis indicates that this missense variant does not alter protein structure/function; Has not been previously published as pathogenic or benign to our knowledge

NM_000083.3(CLCN1):c.152G>T (p.Gly51Val)

Gene: CLCN1 (chloride voltage-gated channel 1; plus strand). Cytogenetic location: 7q34.
Variant type: single nucleotide variant.
Coding change: c.152G>T on transcript NM_000083.3 (MANE Select); coding-DNA position 152, G replaced by T.
Protein change: p.Gly51Val; replaces glycine 51 with valine.
Molecular consequence: missense variant. On other transcripts: non-coding transcript variant (1).
Genome position (GRCh38, 1-based): chr7:143,316,364, G>T. VCF-style: chr7-143316364-G-T. GRCh37 (hg19) VCF-style: chr7-143013457-G-T.
Other names: short protein forms G51V.
Identifiers: ClinVar variation 3903357 (VCV003903357.1).